The following is an entry in ClinVar:

ClinVar aggregate classification (germline): Uncertain significance (1 of 4 stars; one submission).

Submission:

Clinical Genomics Laboratory, Laboratory for Precision Diagnostics, University of Washington
Classification: Uncertain significance. Last evaluated: 2024-10-27. Review status: criteria provided, single submitter. Criteria: ACMG/ClinGen CNV Guidelines, 2019. Collection method: clinical testing. Allele origin: unknown. Affected: yes. Observed: 1 variant allele.

GRCh38/hg38 12q12(chr12:42842367-43509203)x3

Genes: ADAMTS20 (ADAM metallopeptidase with thrombospondin type 1 motif 20; minus strand), LINC02461 (long independently transcribed non-coding RNA 2461; plus strand), LOC126861510 (P300/CBP strongly-dependent group 1 enhancer GRCh37_chr12:43354422-43355621; plus strand), LOC129390443 (MPRA-validated peak1696 silencer; plus strand), LOC129390444 (MPRA-validated peak1697 silencer; plus strand). Cytogenetic location: 12q12.
Variant type: copy number gain.
Change: copy number 3 (three copies instead of two) of chr12:42,842,367-43,509,203 (666.8 kb, GRCh38 coordinates, 1-based), cytogenetic band 12q12.
Identifiers: ClinVar variation 4974722 (VCV004974722.1).